The following is an entry in ClinVar:

NM_000553.6(WRN):c.3919G>A (p.Gly1307Ser)

Gene: WRN (WRN RecQ like helicase; plus strand). Cytogenetic location: 8p12.
Variant type: single nucleotide variant.
Coding change: c.3919G>A on transcript NM_000553.6 (MANE Select); coding-DNA position 3919, G replaced by A.
Protein change: p.Gly1307Ser; replaces glycine 1307 with serine.
Molecular consequence: missense variant.
Genome position (GRCh38, 1-based): chr8:31,157,467, G>A. VCF-style: chr8-31157467-G-A. GRCh37 (hg19) VCF-style: chr8-31014983-G-A.
Other names: short protein forms G1307S.
Identifiers: ClinVar variation 578885 (VCV000578885.6), dbSNP rs1563387347, ClinGen allele CA370929480.

ClinVar aggregate classification (germline): Uncertain significance. Review status: criteria provided, multiple submitters, no conflicts (2 of 4 stars). 3 submissions from 3 submitters: Uncertain significance (3). Last evaluated 2025-06-07.

Conditions:
Werner syndrome (WRN). Identifiers: Orphanet 902, MedGen C0043119, MONDO:0010196, OMIM 277700.
Inborn genetic diseases. Identifiers: MedGen C0950123, MeSH D030342.

Submissions (3):

Ambry Genetics
Classification: Uncertain significance for Inborn genetic diseases. Last evaluated: 2025-06-07. Review status: criteria provided, single submitter. Criteria: Ambry Variant Classification Scheme 2023. Collection method: clinical testing. Allele origin: germline.

Genomic Medicine Center of Excellence, King Faisal Specialist Hospital and Research Centre
Classification: Uncertain significance for Werner syndrome. Last evaluated: 2024-03-26. Review status: criteria provided, single submitter. Criteria: ACMG Guidelines, 2015. Collection method: clinical testing. Allele origin: germline.

Labcorp Genetics (formerly Invitae), Labcorp
Classification: Uncertain significance for Werner syndrome. Last evaluated: 2018-06-06. Review status: criteria provided, single submitter. Criteria: Invitae Variant Classification Sherloc (09022015). Collection method: clinical testing. Allele origin: germline.
Comment: In summary, the available evidence is currently insufficient to determine the role of this variant in disease. Therefore, it has been classified as a Variant of Uncertain Significance. Algorithms developed to predict the effect of missense changes on protein structure and function are either unavailable or do not agree on the potential impact of this missense change (SIFT: "Deleterious"; PolyPhen-2: "Probably Damaging"; Align-GVGD: "Class C0"). This variant has not been reported in the literature in individuals with WRN-related disease. This variant is not present in population databases (ExAC no frequency). This sequence change replaces glycine with serine at codon 1307 of the WRN protein (p.Gly1307Ser). The glycine residue is highly conserved and there is a small physicochemical difference between glycine and serine.